The following is an entry in ClinVar:

NM_001999.4(FBN2):c.851C>T (p.Pro284Leu)

Gene: FBN2 (fibrillin 2; minus strand). Cytogenetic location: 5q23.3.
Variant type: single nucleotide variant.
Coding change: c.851C>T on transcript NM_001999.4 (MANE Select); coding-DNA position 851, C replaced by T.
Protein change: p.Pro284Leu; replaces proline 284 with leucine.
Molecular consequence: missense variant.
Genome position (GRCh38, 1-based): chr5:128,446,582, G>A on the plus strand (C>T on the coding strand, the complement: FBN2 is on the minus strand). VCF-style: chr5-128446582-G-A. GRCh37 (hg19) VCF-style: chr5-127782275-G-A.
Other names: short protein forms P284L.
Identifiers: ClinVar variation 3712706 (VCV003712706.2).

ClinVar aggregate classification (germline): Uncertain significance (1 of 4 stars; one submission).

Conditions:
Congenital contractural arachnodactyly (CCA). Also called: Arthrogryposis, distal, type 9; BEALS SYNDROME; Beals-Hecht syndrome. Identifiers: Orphanet 115, MedGen C0220668, MONDO:0007363, OMIM 121050.

Submission:

Labcorp Genetics (formerly Invitae), Labcorp
Classification: Uncertain significance for Congenital contractural arachnodactyly. Last evaluated: 2024-08-27. Review status: criteria provided, single submitter. Criteria: Invitae Variant Classification Sherloc (09022015). Collection method: clinical testing. Allele origin: germline.
Comment: This sequence change replaces proline, which is neutral and non-polar, with leucine, which is neutral and non-polar, at codon 284 of the FBN2 protein (p.Pro284Leu). This variant is not present in population databases (gnomAD no frequency). This variant has not been reported in the literature in individuals affected with FBN2-related conditions. Invitae Evidence Modeling of protein sequence and biophysical properties (such as structural, functional, and spatial information, amino acid conservation, physicochemical variation, residue mobility, and thermodynamic stability) has been performed for this missense variant. However, the output from this modeling did not meet the statistical confidence thresholds required to predict the impact of this variant on FBN2 protein function. In summary, the available evidence is currently insufficient to determine the role of this variant in disease. Therefore, it has been classified as a Variant of Uncertain Significance.